The following is an entry in ClinVar:

NM_033380.3(COL4A5):c.2422G>A (p.Gly808Arg)

Gene: COL4A5 (collagen type IV alpha 5 chain; plus strand). Cytogenetic location: Xq22.3.
Variant type: single nucleotide variant.
Coding change: c.2422G>A on transcript NM_033380.3 (MANE Select); coding-DNA position 2422, G replaced by A.
Protein change: p.Gly808Arg; replaces glycine 808 with arginine.
Molecular consequence: missense variant.
Genome position (GRCh38, 1-based): chrX:108,614,937, G>A. VCF-style: chrX-108614937-G-A. GRCh37 (hg19) VCF-style: chrX-107858167-G-A.
Other names: c.2422G>A, p.Gly808Arg (NM_000495.5); short protein forms G808R.
Identifiers: ClinVar variation 2444150 (VCV002444150.2), dbSNP rs2066899099, ClinGen allele CA413849812.

ClinVar aggregate classification (germline): Likely pathogenic (1 of 4 stars; one submission).

Conditions:
X-linked Alport syndrome (ATS1). Also called: NEPHROPATHY AND DEAFNESS, X-LINKED; COL4A5-Related Nephropathy. Identifiers: Orphanet 63, Orphanet 88917, MedGen C4746986, MONDO:0010520, OMIM 301050.

Submission:

3billion
Classification: Likely pathogenic for X-linked Alport syndrome. Last evaluated: 2025-03-04. Review status: criteria provided, single submitter. Criteria: ACMG Guidelines, 2015. Collection method: clinical testing. Allele origin: germline. Affected: yes.
Comment: The variant is not observed in the gnomAD v4.1.0 dataset. Predicted Consequence/Location: Missense variant In silico tool predictions suggest damaging effect of the variant on gene or gene product [REVEL: 0.99 (>=0.6, sensitivity 0.68 and specificity 0.92); 3Cnet: 0.98 (> 0.75, sensitivity 0.96 and precision 0.92)]. The same nucleotide change resulting in the same amino acid change has been previously reported to be associated with COL4A5-related disorder (ClinVar ID: VCV002444150 /3billion dataset).The variant has been observed in at least two similarly affected unrelated individuals (3billion dataset). A different missense change at the same codon (p.Gly808Glu) has been reported to be associated with COL4A5-related disorder (ClinVar ID: VCV001412850 /PMID: 10094548). Therefore, this variant is classified as Likely pathogenic according to the recommendation of ACMG/AMP guideline.

Literature cited by the submitters: PubMed 10094548.